The following is an entry in ClinVar:

ClinVar aggregate classification (germline): Uncertain significance (1 of 4 stars; one submission).

Submission:

GeneDx
Classification: Uncertain significance. Last evaluated: 2018-02-27. Review status: criteria provided, single submitter. Criteria: GeneDx Variant Classification (06012015). Collection method: clinical testing. Allele origin: germline. Affected: yes.
Comment: The c.523dupT variant in the SLC39A8 gene has not been reported previously as a pathogenic variant nor as a benign variant, to our knowledge. This variant causes a frameshift starting with codon Serine 175, changes this amino acid to a Phenylalanine residue, and creates a premature Stop codon at position 15 of the new reading frame, denoted p.Ser175PhefsX15. This variant is predicted to cause loss of normal protein function either through protein truncation or nonsense-mediated mRNA decay. The c.523dupT variant was not observed in approximately 6500 individuals of European and African American ancestry in the NHLBI Exome Sequencing Project, indicating it is not a common benign variant in these populations. We interpret c.523dupT as a variant of uncertain significance.

NM_001135146.2(SLC39A8):c.523dup (p.Ser175fs)

Gene: SLC39A8 (solute carrier family 39 member 8; minus strand). Cytogenetic location: 4q24.
Variant type: Duplication.
Coding change: c.523dup on transcript NM_001135146.2 (MANE Select); coding-DNA position 523, one base duplicated (T; older notation c.523dupT).
Protein change: p.Ser175fs; shifts the reading frame from serine 175.
Molecular consequence: frameshift variant.
Genome position (GRCh38, 1-based): chr4:102,307,465, A duplicated on the plus strand (T on the coding strand, the reverse complement: SLC39A8 is on the minus strand); the first of 6 consecutive A bases (chr4:102,307,465-102,307,470); duplicating any one gives the same sequence. VCF-style (leftmost placement, unchanged base first): chr4-102307464-G-GA. GRCh37 (hg19) VCF-style: chr4-103228621-G-GA.
Other names: c.523dup, p.Ser175fs (NM_001135147.1, NM_022154.5); c.322dup, p.Ser108fs (NM_001135148.2); c.523dupT (NM_022154.5); short protein forms S175fs, S108fs.
Identifiers: ClinVar variation 420674 (VCV000420674.2), dbSNP rs762397396, ClinGen allele CA3025646.